The following is an entry in ClinVar:

NM_002361.4(MAG):c.1153G>A (p.Glu385Lys)

Gene: MAG (myelin associated glycoprotein; plus strand). Cytogenetic location: 19q13.12.
Variant type: single nucleotide variant.
Coding change: c.1153G>A on transcript NM_002361.4 (MANE Select); coding-DNA position 1153, G replaced by A.
Protein change: p.Glu385Lys; replaces glutamic acid 385 with lysine.
Molecular consequence: missense variant.
Genome position (GRCh38, 1-based): chr19:35,302,630, G>A. VCF-style: chr19-35302630-G-A. GRCh37 (hg19) VCF-style: chr19-35793533-G-A.
Other names: c.1078G>A, p.Glu360Lys (NM_001199216.2); c.1153G>A, p.Glu385Lys (NM_080600.3); short protein forms E360K, E385K.
Identifiers: ClinVar variation 3122041 (VCV003122041.2), dbSNP rs372192843, ClinGen allele CA9376190.
Genomic context (GRCh38, chr19:35,302,630, plus strand): 5'-ATCCTGTCCACGGTCATCTACGAGAGCGAGCTGCAGCTGGAGCTGCCGGCCGTGTCACCC[G>A]AGGATGATGGAGAGTACTGGTGTGTGGCTGAGAACCAGTATGGCCAGAGGGCCACCGCCT-3'
Protein context (NP_002352.1, residues 375-395): LQLELPAVSP[Glu385Lys]DDGEYWCVAE

ClinVar aggregate classification (germline): Uncertain significance (1 of 4 stars; one submission).

Conditions:
Inborn genetic diseases. Identifiers: MedGen C0950123, MeSH D030342.

Allele frequency attached by ClinVar (database versions not stated): gnomAD 0.00003; TOPMed 0.00003; ExAC 0.00004; ESP Exome Variant Server 0.00008; gnomAD exomes 0.00004.
gnomAD v4.1: 58 of 1,614,082 alleles (0.0036%); highest among the groups gnomAD compares: Non-Finnish European, 0.0046%; no homozygotes.

Submission:

Ambry Genetics
Classification: Uncertain significance for Inborn genetic diseases. Last evaluated: 2026-04-06. Review status: criteria provided, single submitter. Criteria: Ambry Variant Classification Scheme 2023. Collection method: clinical testing. Allele origin: germline.
Comment: The c.1153G>A (p.E385K) alteration is located in exon 7 (coding exon 5) of the MAG gene. This alteration results from a G to A substitution at nucleotide position 1153, causing the glutamic acid (E) at amino acid position 385 to be replaced by a lysine (K). Based on data from gnomAD, the A allele has an overall frequency of 0.004% (9/251426) total alleles studied. The highest observed frequency was 0.008% (9/113744) of European (non-Finnish) alleles. Based on insufficient or conflicting evidence, the clinical significance of this alteration remains unclear.